The following is an entry in ClinVar:

ClinVar aggregate classification (germline): Conflicting classifications of pathogenicity. Review status: criteria provided, conflicting classifications (1 of 4 stars). 6 submissions from 6 submitters: Uncertain significance (3); Likely benign (3). Last evaluated 2026-05-01.

Conditions:
Mitochondrial DNA depletion syndrome 13. Also called: FBXL4-Related Encephalomyopathic Mitochondrial DNA Depletion Syndrome; Mitochondrial DNA depletion syndrome 13 (encephalomyopathic type). Identifiers: Orphanet 369897, MedGen C3809592, MONDO:0014198, OMIM 615471.

Allele frequency attached by ClinVar (database versions not stated): 1000 Genomes Project 0.00020; gnomAD 0.00021 and 0.00023; TOPMed 0.00025; ExAC 0.00026; gnomAD exomes 0.00028 and 0.00033; 1000 Genomes Project 30x 0.00031; ESP Exome Variant Server 0.00054.
gnomAD v4.1: 523 of 1,609,042 alleles (0.033%); highest among the groups gnomAD compares: Middle Eastern, 0.083%; no homozygotes.

Submissions (6):

CeGaT Center for Human Genetics Tuebingen
Classification: Likely benign. Last evaluated: 2026-05-01. Review status: criteria provided, single submitter. Criteria: CeGaT Center For Human Genetics Tuebingen Variant Classification Criteria Version 2. Collection method: clinical testing. Allele origin: germline. Affected: yes. Observed: 1 variant allele.
Comment: FBXL4: BP4

Labcorp Genetics (formerly Invitae), Labcorp
Classification: Likely benign. Last evaluated: 2026-02-04. Review status: criteria provided, single submitter. Criteria: Invitae Variant Classification Sherloc (09022015). Collection method: clinical testing. Allele origin: germline.

Dasa
Classification: Uncertain significance for Mitochondrial DNA depletion syndrome 13. Last evaluated: 2025-04-29. Review status: criteria provided, single submitter. Criteria: DASA Assertion Criteria. Collection method: clinical testing. Allele origin: germline.
Comment: NM_001278716.2(FBXL4):c.541A>G (p.Thr181Ala) is a missense variant that results in the substitution of threonine with alanine. This variant is rare in population databases. Computational prediction algorithms are consistent with a benign effect. The currently available literature and clinical evidence are not sufficient to establish a definitive association between this variant and the reported condition. Therefore, this variant is classified as a variant of uncertain significance.

Blueprint Genetics
Classification: Likely benign. Last evaluated: 2024-11-18. Review status: criteria provided, single submitter. Criteria: ACMG Guidelines, 2015. Collection method: clinical testing. Allele origin: germline.

GeneDx
Classification: Uncertain significance. Last evaluated: 2021-10-20. Review status: criteria provided, single submitter. Criteria: GeneDx Variant Classification Process June 2021. Collection method: clinical testing. Allele origin: germline. Affected: yes.
Comment: In silico analysis supports that this missense variant does not alter protein structure/function; Has not been previously published as pathogenic or benign to our knowledge

Wong Mito Lab, Molecular and Human Genetics, Baylor College of Medicine
Classification: Uncertain significance for Mitochondrial DNA depletion syndrome 13. Last evaluated: 2017-08-10. Review status: criteria provided, single submitter. Criteria: ACMG Guidelines, 2015. Collection method: reference population. Allele origin: germline.
Comment: The NM_012160.4:c.541A>G (NP_036292.2:p.Thr181Ala) [GRCH38: NC_000006.12:g.98917691T>C] variant in FBXL4 gene is interpretated to be a Uncertain Significance - Conflicting Evidence based on ACMG guidelines (PMID: 25741868). This variant meets one or more of the following evidence codes reported in the ACMG-guideline. PM2:This variant is absent in key population databases. BP4:Computational evidence/predictors indicate no impact on the FBXL4 structure, function, or protein-protein interaction. Based on this evidence code ClinGen Pathogenicity Calculator (PMID:28081714) suggested that the variant is Uncertain Significance - Conflicting Evidence.

NM_001278716.2(FBXL4):c.541A>G (p.Thr181Ala)

Gene: FBXL4 (F-box and leucine rich repeat protein 4; minus strand). Cytogenetic location: 6q16.2.
Variant type: single nucleotide variant.
Coding change: c.541A>G on transcript NM_001278716.2 (MANE Select); coding-DNA position 541, A replaced by G.
Protein change: p.Thr181Ala; replaces threonine 181 with alanine.
Molecular consequence: missense variant.
Genome position (GRCh38, 1-based): chr6:98,917,691, T>C on the plus strand (A>G on the coding strand, the complement: FBXL4 is on the minus strand). VCF-style: chr6-98917691-T-C. GRCh37 (hg19) VCF-style: chr6-99365567-T-C.
Other names: c.541A>G (NM_012160.3); c.541A>G, p.Thr181Ala (NM_012160.5); short protein forms T181A.
Identifiers: ClinVar variation 437594 (VCV000437594.12), dbSNP rs150748757, ClinGen allele CA3933660.